The following is an entry in ClinVar:

NM_017752.3(TBC1D8B):c.1786G>T (p.Val596Phe)

Gene: TBC1D8B (TBC1 domain family member 8B; plus strand). Cytogenetic location: Xq22.3.
Variant type: single nucleotide variant.
Coding change: c.1786G>T on transcript NM_017752.3 (MANE Select); coding-DNA position 1786, G replaced by T.
Protein change: p.Val596Phe; replaces valine 596 with phenylalanine.
Molecular consequence: missense variant.
Genome position (GRCh38, 1-based): chrX:106,848,252, G>T. VCF-style: chrX-106848252-G-T. GRCh37 (hg19) VCF-style: chrX-106091482-G-T.
Other names: c.1786G>T, p.Val596Phe (NM_198881.2); short protein forms V596F.
Identifiers: ClinVar variation 2988603 (VCV002988603.3), dbSNP rs1440149033, ClinGen allele CA413807957.

ClinVar aggregate classification (germline): Uncertain significance (1 of 4 stars; one submission).

gnomAD v4.1: 2 of 1,195,170 alleles (0.00017%); highest among the groups gnomAD compares: Admixed American, 0.0044%; no homozygotes.

Submission:

Labcorp Genetics (formerly Invitae), Labcorp
Classification: Uncertain significance. Last evaluated: 2023-10-13. Review status: criteria provided, single submitter. Criteria: Invitae Variant Classification Sherloc (09022015). Collection method: clinical testing. Allele origin: germline.
Comment: This sequence change replaces valine, which is neutral and non-polar, with phenylalanine, which is neutral and non-polar, at codon 596 of the TBC1D8B protein (p.Val596Phe). This variant is present in population databases (no rsID available, gnomAD 0.008%). This variant has not been reported in the literature in individuals affected with TBC1D8B-related conditions. An algorithm developed to predict the effect of missense changes on protein structure and function (PolyPhen-2) suggests that this variant is likely to be disruptive. In summary, the available evidence is currently insufficient to determine the role of this variant in disease. Therefore, it has been classified as a Variant of Uncertain Significance.